The following is an entry in ClinVar:

ClinVar aggregate classification (germline): Uncertain significance (1 of 4 stars; one submission).

Conditions:
Beckwith-Wiedemann syndrome (BWS). Also called: Exomphalos macroglossia gigantism syndrome; EMG SYNDROME. Identifiers: Orphanet 116, MedGen C0004903, MONDO:0007534, OMIM 130650.

Allele frequency attached by ClinVar (database versions not stated): TOPMed 0.00001; gnomAD exomes 0.00003.

Submission:

Labcorp Genetics (formerly Invitae), Labcorp
Classification: Uncertain significance for Beckwith-Wiedemann syndrome. Last evaluated: 2024-04-15. Review status: criteria provided, single submitter. Criteria: Invitae Variant Classification Sherloc (09022015). Collection method: clinical testing. Allele origin: germline.
Comment: This sequence change replaces proline, which is neutral and non-polar, with leucine, which is neutral and non-polar, at codon 190 of the CDKN1C protein (p.Pro190Leu). The frequency data for this variant in the population databases is considered unreliable, as metrics indicate insufficient coverage at this position in the gnomAD database. This variant has not been reported in the literature in individuals affected with CDKN1C-related conditions. ClinVar contains an entry for this variant (Variation ID: 943544). Advanced modeling of protein sequence and biophysical properties (such as structural, functional, and spatial information, amino acid conservation, physicochemical variation, residue mobility, and thermodynamic stability) performed at Invitae indicates that this missense variant is not expected to disrupt CDKN1C protein function with a negative predictive value of 80%. In summary, the available evidence is currently insufficient to determine the role of this variant in disease. Therefore, it has been classified as a Variant of Uncertain Significance.

NM_001122630.2(CDKN1C):c.536C>T (p.Pro179Leu)

Gene: CDKN1C (cyclin dependent kinase inhibitor 1C; minus strand). Cytogenetic location: 11p15.4.
Variant type: single nucleotide variant.
Coding change: c.536C>T on transcript NM_001122630.2 (MANE Select); coding-DNA position 536, C replaced by T.
Protein change: p.Pro179Leu; replaces proline 179 with leucine.
Molecular consequence: missense variant. On other transcripts: intron variant (1).
Genome position (GRCh38, 1-based): chr11:2,884,921, G>A on the plus strand (C>T on the coding strand, the complement: CDKN1C is on the minus strand). VCF-style: chr11-2884921-G-A. GRCh37 (hg19) VCF-style: chr11-2906151-G-A.
Other names: c.569C>T, p.Pro190Leu (NM_000076.2, NM_001362474.2); c.536C>T, p.Pro179Leu (NM_001122631.2); c.255+281C>T (NM_001362475.2); short protein forms P179L, P190L.
Identifiers: ClinVar variation 943544 (VCV000943544.7), dbSNP rs1444091895, ClinGen allele CA379146444.